The following is an entry in ClinVar:

ClinVar aggregate classification (germline): Uncertain significance. Review status: criteria provided, single submitter (1 of 4 stars). 2 submissions from 2 submitters: Uncertain significance (1). 1 of the submissions does not count toward it. Last evaluated 2025-03-03.

Conditions:
Hereditary cancer-predisposing syndrome. Also called: Neoplastic Syndromes, Hereditary; Hereditary Cancer Syndrome; Hereditary neoplastic syndrome; Tumor predisposition. Identifiers: Orphanet 140162, MedGen C0027672, MeSH D009386, MONDO:0015356.
Ataxia-telangiectasia syndrome (AT). Also called: ATAXIA-TELANGIECTASIA, COMPLEMENTATION GROUP A; ATAXIA-TELANGIECTASIA, FRESNO VARIANT; Ataxia-telangiectasia, complementation group E; Ataxia telangiectasia (A-T); LOUIS-BAR SYNDROME; Cerebello-oculocutaneous telangiectasia. Identifiers: Orphanet 100, MedGen C0004135, MONDO:0008840, OMIM 208900.

Allele frequency attached by ClinVar (database versions not stated): gnomAD exomes below 0.00001.
gnomAD v4.1: 1 of 1,613,980 alleles (0.000062%); highest among the groups gnomAD compares: Non-Finnish European, 0.000085%; no homozygotes.

Submissions (2):

Ambry Genetics
Classification: Uncertain significance for Hereditary cancer-predisposing syndrome. Last evaluated: 2025-03-03. Review status: criteria provided, single submitter. Criteria: Ambry Variant Classification Scheme 2023. Collection method: clinical testing. Allele origin: germline.
Comment: The p.I1520L variant (also known as c.4558A>C), located in coding exon 29 of the ATM gene, results from an A to C substitution at nucleotide position 4558. The isoleucine at codon 1520 is replaced by leucine, an amino acid with highly similar properties. This alteration has been reported in the germline of 1 of 8,920 ethnically matched normal population control subjects and was not seen in 516 samples from a study of chronic lymphocytic leukemia patients of European descent (Tiao G et al. Leukemia, 2017 Oct;31:2244-2247). This amino acid position is well conserved in available vertebrate species. In addition, the in silico prediction for this alteration is inconclusive. Based on the available evidence, the clinical significance of this variant remains unclear.

Natera, Inc.
Classification: Uncertain significance for Ataxia-telangiectasia. Last evaluated: 2020-09-16. Review status: no assertion criteria provided. Collection method: clinical testing. Allele origin: germline. Not counted in ClinVar's aggregate classification.

Literature cited by the submitters: PubMed 28652578 (cited by Ambry Genetics).

NM_000051.4(ATM):c.4558A>C (p.Ile1520Leu)

Gene: ATM (ATM serine/threonine kinase; plus strand). Cytogenetic location: 11q22.3.
Variant type: single nucleotide variant.
Coding change: c.4558A>C on transcript NM_000051.4 (MANE Select); coding-DNA position 4558, A replaced by C.
Protein change: p.Ile1520Leu; replaces isoleucine 1520 with leucine.
Molecular consequence: missense variant.
Genome position (GRCh38, 1-based): chr11:108,292,740, A>C. VCF-style: chr11-108292740-A-C. GRCh37 (hg19) VCF-style: chr11-108163467-A-C.
Other names: c.4558A>C, p.Ile1520Leu (NM_001351834.2); short protein forms I1520L.
Identifiers: ClinVar variation 824997 (VCV000824997.6), dbSNP rs765195241, ClinGen allele CA6265491.
Genomic context (GRCh38, chr11:108,292,740, plus strand): 5'-CAGGTTTGCCAGACAGCCGTGACTTACTGTAAGGATGCTCTAGAAAACCATCTTCATGTT[A>C]TTGTTGGTACACTTATACCCCTTGTGTATGAGCAGGTGGAGGTTCAGAAACAGGTAATTT-3'
Protein context (NP_000042.3, residues 1510-1530): KDALENHLHV[Ile1520Leu]VGTLIPLVYE